The following is an entry in ClinVar:

ClinVar aggregate classification (germline): Pathogenic. Review status: criteria provided, multiple submitters, no conflicts (2 of 4 stars). 2 submissions from 2 submitters: Pathogenic (2). Last evaluated 2025-07-30.

Conditions:
Hereditary cancer-predisposing syndrome. Also called: Tumor predisposition; Hereditary Cancer Syndrome; Neoplastic Syndromes, Hereditary; Hereditary neoplastic syndrome. Identifiers: Orphanet 140162, MedGen C0027672, MeSH D009386, MONDO:0015356.
Lynch syndrome 5 (LYNCH5). Also called: Colorectal cancer, hereditary nonpolyposis, type 5; Hereditary non-polyposis colorectal cancer, type 5. Identifiers: Orphanet 144, MedGen C1833477, MONDO:0013710, OMIM 614350. Disease mechanism: loss of function.

Submissions (2):

Ambry Genetics
Classification: Pathogenic for Hereditary cancer-predisposing syndrome. Last evaluated: 2025-07-30. Review status: criteria provided, single submitter. Criteria: Ambry Variant Classification Scheme 2023. Collection method: clinical testing. Allele origin: germline.
Comment: The c.3872_3893dup22 pathogenic mutation, located in coding exon 9 of the MSH6 gene, results from a duplication of AGGGAGCTTGTCCTAAAAGCTA at nucleotide position 3872, causing a translational frameshift with a predicted alternate stop codon (p.Y1298*). This variant is considered to be rare based on population cohorts in the Genome Aggregation Database (gnomAD). This alteration is expected to result in loss of function by premature protein truncation or nonsense-mediated mRNA decay. As such, this alteration is interpreted as a disease-causing mutation.

Myriad Genetics, Inc.
Classification: Pathogenic for Lynch syndrome 5. Last evaluated: 2024-12-04. Review status: criteria provided, single submitter. Criteria: Myriad Autosomal Dominant, Autosomal Recessive and X-Linked Classification Criteria (2023). Collection method: clinical testing. Allele origin: unknown.
Comment: This variant is considered pathogenic. This variant creates a termination codon and is predicted to result in premature protein truncation.

NM_000179.3(MSH6):c.3872_3893dup (p.Tyr1298Ter)

Gene: MSH6 (mutS homolog 6; plus strand). Cytogenetic location: 2p16.3.
Variant type: Duplication.
Coding change: c.3872_3893dup on transcript NM_000179.3 (MANE Select); coding-DNA positions 3872 to 3893, 22 bases duplicated (AGGGAGCTTGTCCTAAAAGCTA).
Protein change: p.Tyr1298Ter; replaces tyrosine 1298 with a stop codon.
Molecular consequence: nonsense. On other transcripts: frameshift variant (1), non-coding transcript variant (5), intron variant (1).
Genome position (GRCh38, 1-based): chr2:47,806,522-47,806,543, AGGGAGCTTGTCCTAAAAGCTA duplicated; duplicating any 22 consecutive bases within chr2:47,806,520-47,806,543 gives the same sequence; the c. name uses the placement nearest the transcript's 3' end. VCF-style (leftmost placement, unchanged base first): chr2-47806519-T-TTAAGGGAGCTTGTCCTAAAAGC. GRCh37 (hg19) VCF-style: chr2-48033658-T-TTAAGGGAGCTTGTCCTAAAAGC.
Other names: c.3482_3503dup, p.Tyr1168Ter (NM_001281492.2); c.2966_2987dup, p.Tyr996Ter (NM_001281493.2, NM_001281494.2, NM_001406811.1 and 6 more transcripts); c.3968_3989dup, p.Tyr1330Ter (NM_001406795.1); c.3872_3893dup, p.Tyr1298Ter (NM_001406796.1, NM_001406808.1, NM_001406809.1); c.3575_3596dup, p.Tyr1199Ter (NM_001406797.1, NM_001406801.1, NM_001406805.1 and 10 more transcripts); c.3698_3719dup, p.Tyr1240Ter (NM_001406798.1); c.3347_3368dup, p.Tyr1123Ter (NM_001406799.1, NM_001406806.1, NM_001406807.1); c.3859_3880dup, p.Met1294fs (NM_001406800.1); and 10 more; short protein forms M1294fs, Y1010*, Y1123*, Y1168*, Y1199*, Y1240*, Y1242*, Y1272*.
Identifiers: ClinVar variation 3773538 (VCV003773538.2).